The following is an entry in ClinVar:

NM_000113.3(TOR1A):c.748+1G>A

Gene: TOR1A (torsin family 1 member A; minus strand). Cytogenetic location: 9q34.11.
Variant type: single nucleotide variant.
Coding change: c.748+1G>A on transcript NM_000113.3 (MANE Select); the canonical splice donor site of the intron after coding-DNA position 748, G replaced by A.
Molecular consequence: splice donor variant.
Genome position (GRCh38, 1-based): chr9:129,818,519, C>T on the plus strand (G>A on the coding strand, the complement: TOR1A is on the minus strand). VCF-style: chr9-129818519-C-T. GRCh37 (hg19) VCF-style: chr9-132580798-C-T.
Identifiers: ClinVar variation 2630777 (VCV002630777.1), dbSNP rs2490563082, ClinGen allele CA375198636.

ClinVar aggregate classification (germline): Likely pathogenic (1 of 4 stars; one submission).

Conditions:
TOR1A-related disorder. Also called: TOR1A-related condition; TOR1A-related disorders.

Submission:

PreventionGenetics, part of Exact Sciences
Classification: Likely pathogenic for TOR1A-related condition. Last evaluated: 2023-09-18. Review status: criteria provided, single submitter. Criteria: ACMG Guidelines, 2015. Collection method: clinical testing. Allele origin: germline.
Comment: The TOR1A c.748+1G>A variant is predicted to disrupt the GT donor site and interfere with normal splicing. To our knowledge, this variant has not been reported in the literature or in a large population database, indicating this variant is rare. Truncating variants in TOR1A are expected to be pathogenic. This variant is interpreted as likely pathogenic.